The following is an entry in ClinVar:

ClinVar aggregate classification (germline): Pathogenic. Review status: criteria provided, multiple submitters, no conflicts (2 of 4 stars). 3 submissions from 3 submitters: Pathogenic (2). 1 of the submissions does not count toward it. Last evaluated 2021-12-24.

Conditions:
Tuberous sclerosis syndrome (TSC). Also called: Tuberous Sclerosis Complex; Tuberous sclerosis. Identifiers: Orphanet 805, MedGen C0041341, MONDO:0001734.
Lymphangiomyomatosis (LAM). Also called: Lymphangioleiomyomatosis; Lymphangioleiomyomatosis, somatic. Identifiers: Orphanet 538, MedGen C0751674, MONDO:0011705, OMIM 606690.
Tuberous sclerosis 2 (TSC2). Identifiers: Orphanet 805, MedGen C1860707, MONDO:0013199, OMIM 613254.

Submissions (3):

Labcorp Genetics (formerly Invitae), Labcorp
Classification: Pathogenic for Tuberous sclerosis 2. Last evaluated: 2021-12-24. Review status: criteria provided, single submitter. Criteria: Invitae Variant Classification Sherloc (09022015). Collection method: clinical testing. Allele origin: germline.
Comment: This variant is also known as p.Y1033fs. This sequence change creates a premature translational stop signal (p.Tyr1033*) in the TSC2 gene. It is expected to result in an absent or disrupted protein product. Loss-of-function variants in TSC2 are known to be pathogenic (PMID: 10205261, 17304050). This variant is not present in population databases (gnomAD no frequency). This premature translational stop signal has been observed in individual(s) with tuberous sclerosis complex (PMID: 17034546, 25927202). ClinVar contains an entry for this variant (Variation ID: 50041). Algorithms developed to predict the effect of sequence changes on RNA splicing suggest that this variant may create or strengthen a splice site. For these reasons, this variant has been classified as Pathogenic.

Centre for Mendelian Genomics, University Medical Centre Ljubljana
Classification: Pathogenic for Lymphangiomyomatosis. Last evaluated: 2016-01-01. Review status: criteria provided, single submitter. Criteria: ACMG Guidelines, 2015. Collection method: clinical testing. Allele origin: unknown. Affected: yes.
Comment: This variant was classified as: Pathogenic. The following ACMG criteria were applied in classifying this variant: PVS1,PM2,PS1,PP4.

Tuberous sclerosis database (TSC2)
No classification provided. Condition: TSC. Review status: no classification provided. Criteria: Tuberous Sclerosis Database Assertion Criteria 2015. Collection method: curation. Allele origin: germline. Affected: yes. Not counted in ClinVar's aggregate classification.

Literature cited by the submitters: PubMed 10205261 (cited by Labcorp Genetics (formerly Invitae), Labcorp); PubMed 17304050 (cited by Labcorp Genetics (formerly Invitae), Labcorp); PubMed 17034546 (cited by Labcorp Genetics (formerly Invitae), Labcorp); PubMed 25927202 (cited by Labcorp Genetics (formerly Invitae), Labcorp).

NM_000548.5(TSC2):c.3099del (p.Arg1032_Tyr1033insTer)

Gene: TSC2 (TSC complex subunit 2; plus strand). Cytogenetic location: 16p13.3.
Variant type: Deletion.
Coding change: c.3099del on transcript NM_000548.5 (MANE Select); coding-DNA position 3099, one base deleted (C; older notation c.3099delC).
Protein change: p.Arg1032_Tyr1033insTer.
Molecular consequence: nonsense.
Genome position (GRCh38, 1-based): chr16:2,079,164, C deleted. VCF-style (leftmost placement, unchanged base first): chr16-2079163-AC-A. GRCh37 (hg19) VCF-style: chr16-2129164-AC-A.
Other names: c.2967del, p.Arg988_Tyr989insTer (NM_001077183.3, NM_001370404.1); c.3099del, p.Arg1032_Tyr1033insTer (NM_001114382.3); c.2859del, p.Arg952_Tyr953insTer (NM_001318827.2); c.2823del, p.Arg940_Tyr941insTer (NM_001318829.2); c.2367del, p.Arg788_Tyr789insTer (NM_001318831.2); c.3000del, p.Arg999_Tyr1000insTer (NM_001318832.2); c.2970del, p.Arg989_Tyr990insTer (NM_001363528.2, NM_001370405.1, NM_021055.3).
Identifiers: ClinVar variation 50041 (VCV000050041.9), dbSNP rs137854157, ClinGen allele CA018529.
Genomic context (GRCh38, chr16:2,079,163, plus strand): 5'-ATAGCCTGAAAAACCTCCACCTGGAGCTCACGGAAACCTGTCTGGACATGATGGCTCGAT[AC>A]GTCTTCTCCAACTTCACGGCTGTCCCGAAGAGGTCCAGGCGGCACTACAGGGCTGGGCGG-3'